The following is an entry in ClinVar:

ClinVar aggregate classification (germline): Likely benign. Review status: criteria provided, single submitter (1 of 4 stars). 2 submissions from 2 submitters: Likely benign (1). 1 of the submissions does not count toward it. Last evaluated 2024-10-17.

Conditions:
Megalencephaly-polymicrogyria-postaxial polydactyly-hydrocephalus syndrome. Also called: MPPH Syndrome; MEG-PMG-MEGACC SYNDROME. Identifiers: Orphanet 83473, MedGen C1863924, MONDO:0019375.
PIK3R2-related disorder. Also called: PIK3R2-related condition.

Allele frequency attached by ClinVar (database versions not stated): gnomAD 0.00002; TOPMed 0.00002; gnomAD exomes 0.00003; ExAC 0.00004.
gnomAD v4.1: 18 of 1,613,432 alleles (0.0011%); highest among the groups gnomAD compares: Admixed American, 0.02%; no homozygotes.

Submissions (2):

Labcorp Genetics (formerly Invitae), Labcorp
Classification: Likely benign for Megalencephaly-polymicrogyria-postaxial polydactyly-hydrocephalus syndrome. Last evaluated: 2024-10-17. Review status: criteria provided, single submitter. Criteria: Invitae Variant Classification Sherloc (09022015). Collection method: clinical testing. Allele origin: germline.

PreventionGenetics, part of Exact Sciences
Classification: Likely benign for PIK3R2-related condition. Last evaluated: 2022-03-22. Review status: no assertion criteria provided. Collection method: clinical testing. Allele origin: germline. Not counted in ClinVar's aggregate classification.
Comment: This variant is classified as likely benign based on ACMG/AMP sequence variant interpretation guidelines (Richards et al. 2015 PMID: 25741868, with internal and published modifications).

NM_005027.4(PIK3R2):c.1044C>T (p.Pro348=)

Gene: PIK3R2 (phosphoinositide-3-kinase regulatory subunit 2; plus strand). Cytogenetic location: 19p13.11.
Variant type: single nucleotide variant.
Coding change: c.1044C>T on transcript NM_005027.4 (MANE Select); coding-DNA position 1044, C replaced by T.
Protein change: p.Pro348=; no amino-acid change (proline 348 retained).
Molecular consequence: synonymous variant. On other transcripts: non-coding transcript variant (2).
Genome position (GRCh38, 1-based): chr19:18,162,441, C>T. VCF-style: chr19-18162441-C-T. GRCh37 (hg19) VCF-style: chr19-18273251-C-T.
Other names: c.1044C>T (NM_005027.3).
Identifiers: ClinVar variation 2068072 (VCV002068072.6), dbSNP rs775174086, ClinGen allele CA9306907.
Genomic context (GRCh38, chr19:18,162,441, plus strand): 5'-CAGTCCCAATGTTGGATGTTCCCACAGGGAGGAGGTGAACGAGAAACTCCGGGACACTCC[C>T]GATGGCACCTTCCTAGTCCGAGATGCTTCTAGCAAGATCCAGGGCGAGTACACGCTGACC-3'
Protein context (NP_005018.2, residues 338-358): EEVNEKLRDT[Pro348=]DGTFLVRDAS